The following is an entry in ClinVar:

NM_001048174.2(MUTYH):c.1385T>C (p.Met462Thr)

Gene: MUTYH (mutY DNA glycosylase; minus strand). Cytogenetic location: 1p34.1.
Variant type: single nucleotide variant.
Coding change: c.1385T>C on transcript NM_001048174.2 (MANE Select); coding-DNA position 1385, T replaced by C.
Protein change: p.Met462Thr; replaces methionine 462 with threonine.
Molecular consequence: missense variant. On other transcripts: non-coding transcript variant (2).
Genome position (GRCh38, 1-based): chr1:45,331,189, A>G on the plus strand (T>C on the coding strand, the complement: MUTYH is on the minus strand). VCF-style: chr1-45331189-A-G. GRCh37 (hg19) VCF-style: chr1-45796861-A-G.
Other names: c.1385T>C, p.Met462Thr (NM_001048171.2, NM_001048173.2, NM_001293195.2); c.1388T>C, p.Met463Thr (NM_001048172.2); c.1469T>C, p.Met490Thr (NM_001128425.2); c.1430T>C, p.Met477Thr (NM_001293190.2); c.1418T>C, p.Met473Thr (NM_001293191.2); c.1109T>C, p.Met370Thr (NM_001293192.2, NM_001293196.2); c.1040T>C, p.Met347Thr (NM_001350650.2, NM_001350651.2); c.1460T>C, p.Met487Thr (NM_012222.3); short protein forms M370T, M487T, M347T, M462T, M463T, M490T, M473T, M477T.
Identifiers: ClinVar variation 819295 (VCV000819295.16), dbSNP rs1570362145, ClinGen allele CA340132485.

ClinVar aggregate classification (germline): Uncertain significance. Review status: criteria provided, multiple submitters, no conflicts (2 of 4 stars). 4 submissions from 4 submitters: Uncertain significance (4). Last evaluated 2025-04-28.

Conditions:
Familial adenomatous polyposis 2. Also called: FAP type 2; MUTYH Polyposis; COLORECTAL ADENOMATOUS POLYPOSIS, AUTOSOMAL RECESSIVE; ADENOMAS, MULTIPLE COLORECTAL, AUTOSOMAL RECESSIVE; MUTYH-associated polyposis; MUTYH-related attenuated familial adenomatous polyposis. Identifiers: Orphanet 220460, Orphanet 247798, MedGen C3272841, MONDO:0012041, OMIM 608456.
Hereditary cancer-predisposing syndrome. Also called: Tumor predisposition; Hereditary Cancer Syndrome; Hereditary neoplastic syndrome; Neoplastic Syndromes, Hereditary. Identifiers: Orphanet 140162, MedGen C0027672, MeSH D009386, MONDO:0015356.

Submissions (4):

Labcorp Genetics (formerly Invitae), Labcorp
Classification: Uncertain significance for Familial adenomatous polyposis 2. Last evaluated: 2025-04-28. Review status: criteria provided, single submitter. Criteria: Invitae Variant Classification Sherloc (09022015). Collection method: clinical testing. Allele origin: germline.
Comment: This sequence change replaces methionine, which is neutral and non-polar, with threonine, which is neutral and polar, at codon 490 of the MUTYH protein (p.Met490Thr). This variant is not present in population databases (gnomAD no frequency). This variant has not been reported in the literature in individuals affected with MUTYH-related conditions. ClinVar contains an entry for this variant (Variation ID: 819295). An algorithm developed to predict the effect of missense changes on protein structure and function (PolyPhen-2) suggests that this variant is likely to be disruptive. In summary, the available evidence is currently insufficient to determine the role of this variant in disease. Therefore, it has been classified as a Variant of Uncertain Significance.

Ambry Genetics
Classification: Uncertain significance for Hereditary cancer-predisposing syndrome. Last evaluated: 2024-08-12. Review status: criteria provided, single submitter. Criteria: Ambry Variant Classification Scheme 2023. Collection method: clinical testing. Allele origin: germline.
Comment: The p.M490T variant (also known as c.1469T>C), located in coding exon 14 of the MUTYH gene, results from a T to C substitution at nucleotide position 1469. The methionine at codon 490 is replaced by threonine, an amino acid with similar properties. This amino acid position is not well conserved in available vertebrate species. In addition, this alteration is predicted to be deleterious by in silico analysis. Since supporting evidence is limited at this time, the clinical significance of this alteration remains unclear.

Color Diagnostics, LLC DBA Color Health
Classification: Uncertain significance for Hereditary cancer-predisposing syndrome. Last evaluated: 2024-03-06. Review status: criteria provided, single submitter. Criteria: ACMG Guidelines, 2015. Collection method: clinical testing. Allele origin: germline.
Comment: This missense variant replaces methionine with threonine at codon 490 of the MUTYH protein. Computational prediction suggests that this variant may have deleterious impact on protein structure and function (internally defined REVEL score threshold >= 0.7, PMID: 27666373). To our knowledge, functional studies have not been reported for this variant. This variant has not been reported in individuals affected with MUTYH-related disorders in the literature. This variant has not been identified in the general population by the Genome Aggregation Database (gnomAD). The available evidence is insufficient to determine the role of this variant in disease conclusively. Therefore, this variant is classified as a Variant of Uncertain Significance.

All of Us Research Program, National Institutes of Health
Classification: Uncertain significance for Familial adenomatous polyposis 2. Last evaluated: 2023-11-02. Review status: criteria provided, single submitter. Criteria: ACMG Guidelines, 2015. Collection method: clinical testing. Allele origin: germline. Inheritance: Autosomal recessive inheritance. Observed: 1 variant allele, 1 heterozygote.
Comment: This missense variant replaces methionine with threonine at codon 490 of the MUTYH protein. Computational prediction suggests that this variant may have deleterious impact on protein structure and function (internally defined REVEL score threshold >= 0.7, PMID: 27666373). To our knowledge, functional studies have not been reported for this variant. This variant has not been reported in individuals affected with MUTYH-related disorders in the literature. This variant has not been identified in the general population by the Genome Aggregation Database (gnomAD). The available evidence is insufficient to determine the role of this variant in disease conclusively. Therefore, this variant is classified as a Variant of Uncertain Significance.

This study involves interpretation of variants in research participants for the purpose of population health screening. Participant phenotype was not available at the time of variant classification. Additional details can be found in publication PMID: 35346344, PMCID: PMC8962531